The following is an entry in ClinVar:

NM_000142.5(FGFR3):c.416A>C (p.Asp139Ala)

Gene: FGFR3 (fibroblast growth factor receptor 3; plus strand). Cytogenetic location: 4p16.3.
Variant type: single nucleotide variant.
Coding change: c.416A>C on transcript NM_000142.5 (MANE Select); coding-DNA position 416, A replaced by C.
Protein change: p.Asp139Ala; replaces aspartic acid 139 with alanine.
Molecular consequence: missense variant. On other transcripts: non-coding transcript variant (1).
Genome position (GRCh38, 1-based): chr4:1,799,783, A>C. VCF-style: chr4-1799783-A-C. GRCh37 (hg19) VCF-style: chr4-1801510-A-C.
Other names: c.416A>C, p.Asp139Ala (NM_001163213.2, NM_001354809.2, NM_001354810.2 and 1 more transcripts); short protein forms D139A.
Identifiers: ClinVar variation 1163833 (VCV001163833.16), dbSNP rs376268669, ClinGen allele CA2809811.
Genomic context (GRCh38, chr4:1,799,783, plus strand): 5'-GTTGCGGCCATCTCTGCCTTGCAGACGCTCCATCCTCGGGAGATGACGAAGACGGGGAGG[A>C]CGAGGCTGAGGACACAGGTGTGGACACAGGTAGGAGCAGGGTCCAGGGTTCAGGCCAGCC-3'
Protein context (NP_000133.1, residues 129-149): PSSGDDEDGE[Asp139Ala]EAEDTGVDTG

ClinVar aggregate classification (germline): Conflicting classifications of pathogenicity. Review status: criteria provided, conflicting classifications (1 of 4 stars). 4 submissions from 4 submitters: Uncertain significance (3); Likely benign (1). Last evaluated 2025-05-28.

Allele frequency attached by ClinVar (database versions not stated): ExAC 0.00001; gnomAD exomes 0.00004 and 0.00001; ESP Exome Variant Server 0.00008; gnomAD 0.00007; TOPMed 0.00008.
gnomAD v4.1: 29 of 1,612,844 alleles (0.0018%); highest among the groups gnomAD compares: Admixed American, 0.033%; 1 homozygote.

Submissions (4):

Labcorp Genetics (formerly Invitae), Labcorp
Classification: Uncertain significance. Last evaluated: 2025-05-28. Review status: criteria provided, single submitter. Criteria: Invitae Variant Classification Sherloc (09022015). Collection method: clinical testing. Allele origin: germline.
Comment: This sequence change replaces aspartic acid, which is acidic and polar, with alanine, which is neutral and non-polar, at codon 139 of the FGFR3 protein (p.Asp139Ala). This variant is present in population databases (rs376268669, gnomAD 0.03%). This variant has not been reported in the literature in individuals affected with FGFR3-related conditions. ClinVar contains an entry for this variant (Variation ID: 1163833). Invitae Evidence Modeling of protein sequence and biophysical properties (such as structural, functional, and spatial information, amino acid conservation, physicochemical variation, residue mobility, and thermodynamic stability) indicates that this missense variant is not expected to disrupt FGFR3 protein function with a negative predictive value of 80%. In summary, the available evidence is currently insufficient to determine the role of this variant in disease. Therefore, it has been classified as a Variant of Uncertain Significance.

Women's Health and Genetics/Laboratory Corporation of America, LabCorp
Classification: Uncertain significance. Last evaluated: 2024-10-30. Review status: criteria provided, single submitter. Criteria: LabCorp Variant Classification Summary - May 2015. Collection method: clinical testing. Allele origin: germline.
Comment: Variant summary: FGFR3 c.416A>C (p.Asp139Ala) results in a non-conservative amino acid change in the encoded protein sequence. Three of five in-silico tools predict a damaging effect of the variant on protein function. The variant allele was found at a frequency of 4e-05 in 249868 control chromosomes, predominantly at a frequency of 0.00029 within the Latino subpopulation in the gnomAD database. This frequency is not significantly higher than estimated for a pathogenic variant in FGFR3 causing Achondroplasia, allowing no conclusion about variant significance. To our knowledge, no occurrence of c.416A>C in individuals affected with Achondroplasia and no experimental evidence demonstrating its impact on protein function have been reported. ClinVar contains an entry for this variant (Variation ID: 1163833). Based on the evidence outlined above, the variant was classified as uncertain significance.

GeneDx
Classification: Likely benign. Last evaluated: 2019-10-29. Review status: criteria provided, single submitter. Criteria: GeneDx Variant Classification Process June 2021. Collection method: clinical testing. Allele origin: germline. Affected: yes.

Mayo Clinic Laboratories, Mayo Clinic
Classification: Uncertain significance. Last evaluated: 2019-05-20. Review status: criteria provided, single submitter. Criteria: ACMG Guidelines, 2015. Collection method: clinical testing. Allele origin: germline. Observed: 1 variant allele.